The following is an entry in ClinVar:

ClinVar aggregate classification (germline): Pathogenic/Likely pathogenic. Review status: criteria provided, multiple submitters, no conflicts (2 of 4 stars). 3 submissions from 3 submitters: Pathogenic (2); Likely pathogenic (1). Last evaluated 2023-08-31.

Conditions:
Refsum disease, classic. Also called: PHYH-Related Refsum Disease; HEREDOPATHIA ATACTICA POLYNEURITIFORMIS; HMSN IV; PHYTANIC ACID OXIDASE DEFICIENCY. Identifiers: Orphanet 773, MedGen C5780941, MONDO:1060256, OMIM 266500. Disease mechanism: loss of function.

Submissions (3):

Myriad Genetics, Inc.
Classification: Pathogenic for Refsum disease, classic. Last evaluated: 2023-08-31. Review status: criteria provided, single submitter. Criteria: Myriad Autosomal Dominant, Autosomal Recessive and X-Linked Classification Criteria (2023). Collection method: clinical testing. Allele origin: unknown.
Comment: NM_006214.3(PHYH):c.520dupC(L174Pfs*57) is expected to be pathogenic in the context of Refsum disease, PHYH-related. This variant is predicted to lead to an abnormal or absent protein product due to the creation of a premature termination codon in PHYH, a gene where loss-of-function variants are known to be pathogenic. Please note: this variant was assessed in the context of healthy population screening.

Baylor Genetics
Classification: Likely pathogenic for Refsum disease, classic. Last evaluated: 2023-06-19. Review status: criteria provided, single submitter. Criteria: ACMG Guidelines, 2015. Collection method: clinical testing. Allele origin: unknown.

Institute for Clinical Genetics, University Hospital TU Dresden, University Hospital TU Dresden
Classification: Pathogenic. Last evaluated: 2022-03-28. Review status: criteria provided, single submitter. Criteria: ACMG Guidelines, 2015. Collection method: clinical testing. Allele origin: germline.
Comment: PVS1, PP4, PM2_SUP

NM_006214.4(PHYH):c.520dup (p.Leu174fs)

Gene: PHYH (phytanoyl-CoA 2-hydroxylase; minus strand). Cytogenetic location: 10p13.
Variant type: Duplication.
Coding change: c.520dup on transcript NM_006214.4 (MANE Select); coding-DNA position 520, one base duplicated (C; older notation c.520dupC).
Protein change: p.Leu174fs; shifts the reading frame from leucine 174.
Molecular consequence: frameshift variant. On other transcripts: intron variant (1).
Genome position (GRCh38, 1-based): chr10:13,288,518, G duplicated on the plus strand (C on the coding strand, the reverse complement: PHYH is on the minus strand); the first of 5 consecutive G bases (chr10:13,288,518-13,288,522); duplicating any one gives the same sequence. VCF-style (leftmost placement, unchanged base first): chr10-13288517-A-AG. GRCh37 (hg19) VCF-style: chr10-13330517-A-AG.
Other names: c.220dup, p.Leu74fs (NM_001037537.2, NM_001323080.2); c.526dup, p.Leu176fs (NM_001323082.2); c.226dup, p.Leu76fs (NM_001323084.2); c.415-4679dup (NM_001323083.2); short protein forms L174fs, L176fs, L74fs, L76fs.
Identifiers: ClinVar variation 2576187 (VCV002576187.3), dbSNP rs2538643559, ClinGen allele CA2547444992.